The following is an entry in ClinVar:

ClinVar aggregate classification (germline): Uncertain significance (1 of 4 stars; one submission).

Submission:

Laboratory for Molecular Medicine, Mass General Brigham Personalized Medicine
Classification: Uncertain significance. Last evaluated: 2016-10-06. Review status: criteria provided, single submitter. Criteria: LMM Criteria. Collection method: clinical testing. Allele origin: germline. Observed: 1 variant allele.
Comment: The p.Cys6071Ser variant in GPR98 has not been previously reported in individual s with Usher syndrome and was absent from large population studies. Computationa l prediction tools and conservation analyses suggest that this variant may impac t the protein, though this information is not predictive enough to determine pat hogenicity. In summary, the clinical significance of the p.Cys6071Ser variant is uncertain.

NM_032119.4(ADGRV1):c.18211T>A (p.Cys6071Ser)

Gene: ADGRV1 (adhesion G protein-coupled receptor V1; plus strand). Cytogenetic location: 5q14.3.
Variant type: single nucleotide variant.
Coding change: c.18211T>A on transcript NM_032119.4 (MANE Select); coding-DNA position 18211, T replaced by A.
Protein change: p.Cys6071Ser; replaces cysteine 6071 with serine.
Molecular consequence: missense variant. On other transcripts: non-coding transcript variant (1).
Genome position (GRCh38, 1-based): chr5:91,072,505, T>A. VCF-style: chr5-91072505-T-A. GRCh37 (hg19) VCF-style: chr5-90368322-T-A.
Other names: short protein forms C6071S.
Identifiers: ClinVar variation 505282 (VCV000505282.4), dbSNP rs1554214818, ClinGen allele CA360431749.